The following is an entry in ClinVar:

ClinVar aggregate classification (germline): Uncertain significance (1 of 4 stars; one submission).

Allele frequency attached by ClinVar (database versions not stated): gnomAD exomes below 0.00001; ExAC 0.00001.

Submission:

Labcorp Genetics (formerly Invitae), Labcorp
Classification: Uncertain significance. Last evaluated: 2021-08-10. Review status: criteria provided, single submitter. Criteria: Invitae Variant Classification Sherloc (09022015). Collection method: clinical testing. Allele origin: germline.
Comment: This sequence change replaces tyrosine with histidine at codon 1794 of the CAD protein (p.Tyr1794His). The tyrosine residue is moderately conserved and there is a moderate physicochemical difference between tyrosine and histidine. This variant is present in population databases (rs752968444, ExAC 0.002%). This variant has not been reported in the literature in individuals affected with CAD-related conditions. Algorithms developed to predict the effect of missense changes on protein structure and function are either unavailable or do not agree on the potential impact of this missense change (SIFT: "Deleterious"; PolyPhen-2: "Probably Damaging"; Align-GVGD: "Class C15"). In summary, the available evidence is currently insufficient to determine the role of this variant in disease. Therefore, it has been classified as a Variant of Uncertain Significance.

NM_004341.5(CAD):c.5380T>C (p.Tyr1794His)

Gene: CAD (carbamoyl-phosphate synthetase 2, aspartate transcarbamylase, and dihydroorotase; plus strand). Cytogenetic location: 2p23.3.
Variant type: single nucleotide variant.
Coding change: c.5380T>C on transcript NM_004341.5 (MANE Select); coding-DNA position 5380, T replaced by C.
Protein change: p.Tyr1794His; replaces tyrosine 1794 with histidine.
Molecular consequence: missense variant.
Genome position (GRCh38, 1-based): chr2:27,239,457, T>C. VCF-style: chr2-27239457-T-C. GRCh37 (hg19) VCF-style: chr2-27462325-T-C.
Other names: c.5191T>C, p.Tyr1731His (NM_001306079.2); short protein forms Y1794H, Y1731H.
Identifiers: ClinVar variation 1488815 (VCV001488815.6), dbSNP rs752968444, ClinGen allele CA1573828.